The following is an entry in ClinVar:

NM_001369.3(DNAH5):c.599T>G (p.Leu200Trp)

Gene: DNAH5 (dynein axonemal heavy chain 5; minus strand). Cytogenetic location: 5p15.2.
Variant type: single nucleotide variant.
Coding change: c.599T>G on transcript NM_001369.3 (MANE Select); coding-DNA position 599, T replaced by G.
Protein change: p.Leu200Trp; replaces leucine 200 with tryptophan.
Molecular consequence: missense variant.
Genome position (GRCh38, 1-based): chr5:13,922,168, A>C on the plus strand (T>G on the coding strand, the complement: DNAH5 is on the minus strand). VCF-style: chr5-13922168-A-C. GRCh37 (hg19) VCF-style: chr5-13922277-A-C.
Other names: short protein forms L200W.
Identifiers: ClinVar variation 2071484 (VCV002071484.4), dbSNP rs2547155760, ClinGen allele CA359222364.

ClinVar aggregate classification (germline): Uncertain significance (1 of 4 stars; one submission).

Conditions:
Primary ciliary dyskinesia. Also called: Ciliary dyskinesia. Identifiers: Orphanet 244, MedGen C0008780, MONDO:0016575, HP:0012265.

Submission:

Labcorp Genetics (formerly Invitae), Labcorp
Classification: Uncertain significance for Primary ciliary dyskinesia. Last evaluated: 2023-12-11. Review status: criteria provided, single submitter. Criteria: Invitae Variant Classification Sherloc (09022015). Collection method: clinical testing. Allele origin: germline.
Comment: This sequence change replaces leucine, which is neutral and non-polar, with tryptophan, which is neutral and slightly polar, at codon 200 of the DNAH5 protein (p.Leu200Trp). This variant is not present in population databases (gnomAD no frequency). This variant has not been reported in the literature in individuals affected with DNAH5-related conditions. ClinVar contains an entry for this variant (Variation ID: 2071484). Advanced modeling of protein sequence and biophysical properties (such as structural, functional, and spatial information, amino acid conservation, physicochemical variation, residue mobility, and thermodynamic stability) performed at Invitae indicates that this missense variant is not expected to disrupt DNAH5 protein function with a negative predictive value of 95%. In summary, the available evidence is currently insufficient to determine the role of this variant in disease. Therefore, it has been classified as a Variant of Uncertain Significance.